The following is an entry in ClinVar:

ClinVar aggregate classification (germline): Uncertain significance (1 of 4 stars; one submission).

Allele frequency attached by ClinVar (database versions not stated): ExAC 0.00001; gnomAD 0.00001 and 0.00002; gnomAD exomes 0.00001 and 0.00003; TOPMed 0.00001; 1000 Genomes Project 30x 0.00016; 1000 Genomes Project 0.00020.
gnomAD v4.1: 49 of 1,613,876 alleles (0.003%); highest among the groups gnomAD compares: East Asian, 0.1%; no homozygotes.

Submission:

GeneDx
Classification: Uncertain significance. Last evaluated: 2013-04-30. Review status: criteria provided, single submitter. Criteria: GeneDx Variant Classification (06012015). Collection method: clinical testing. Allele origin: germline. Affected: yes.
Comment: p.His265Arg (CAT>CGT): c.794 A>G in exon 6 of the COX15 gene (NM_078470.4). The H265R missense change in the COX15 gene has not been published as a mutation, nor has it been reported as a benign polymorphism to our knowledge. The amino acid change is conservative in that both Histidine and Arginine are positively charged amino acid residues and this change occurs at a position that is not highly conserved in the COX15 protein. However, in-silico algorithms are not consistent in their predictions of whether H265R is damaging to the structure/function of the protein. Therefore, based on the currently available information, it is unclear whether H265R is a disease-causing mutation or a rare benign variant. The variant is found in MITONUC-MITOP panel(s).

NM_078470.6(COX15):c.794A>G (p.His265Arg)

Gene: COX15 (cytochrome c oxidase assembly homolog COX15; minus strand). Cytogenetic location: 10q24.2.
Variant type: single nucleotide variant.
Coding change: c.794A>G on transcript NM_078470.6 (MANE Select); coding-DNA position 794, A replaced by G.
Protein change: p.His265Arg; replaces histidine 265 with arginine.
Molecular consequence: missense variant. On other transcripts: non-coding transcript variant (1).
Genome position (GRCh38, 1-based): chr10:99,721,025, T>C on the plus strand (A>G on the coding strand, the complement: COX15 is on the minus strand). VCF-style: chr10-99721025-T-C. GRCh37 (hg19) VCF-style: chr10-101480782-T-C.
Other names: p.H265R:CAT>CGT; c.794A>G, p.His265Arg (NM_001320974.2, NM_001320975.2, NM_001372024.1 and 5 more transcripts); c.257A>G, p.His86Arg (NM_001320976.2); short protein forms H265R, H86R.
Identifiers: ClinVar variation 214257 (VCV000214257.2), dbSNP rs200876059, ClinGen allele CA324967.